The following is an entry in ClinVar:

NM_000059.4(BRCA2):c.4774A>G (p.Lys1592Glu)

Gene: BRCA2 (BRCA2 DNA repair associated; plus strand). Cytogenetic location: 13q13.1.
Variant type: single nucleotide variant.
Coding change: c.4774A>G on transcript NM_000059.4 (MANE Select); coding-DNA position 4774, A replaced by G.
Protein change: p.Lys1592Glu; replaces lysine 1592 with glutamic acid.
Molecular consequence: missense variant. On other transcripts: non-coding transcript variant (1), intron variant (2).
Genome position (GRCh38, 1-based): chr13:32,339,129, A>G. VCF-style: chr13-32339129-A-G. GRCh37 (hg19) VCF-style: chr13-32913266-A-G.
Other names: c.4774A>G, p.Lys1592Glu (NM_001406719.1, NM_001406720.1); c.1910-5429A>G (NM_001406721.1); c.425-5429A>G (NM_001406722.1); short protein forms K1592E.
Identifiers: ClinVar variation 2893253 (VCV002893253.5), dbSNP rs886040548, ClinGen allele CA387783177.

ClinVar aggregate classification (germline): Conflicting classifications of pathogenicity. Review status: criteria provided, conflicting classifications (1 of 4 stars). 3 submissions from 3 submitters: Uncertain significance (2); Likely benign (1). Last evaluated 2025-01-31.

Conditions:
Hereditary breast ovarian cancer syndrome. Also called: Hereditary breast and ovarian cancer; Breast and ovarian cancer; BRCA1- and BRCA2-Associated Hereditary Breast and Ovarian Cancer; Hereditary breast and ovarian cancer syndrome (HBOC); Hereditary breast and ovarian cancer syndrome; Hereditary breast and/or ovarian cancer syndrome. Identifiers: Orphanet 145, MedGen C0677776, MeSH D061325, MONDO:0003582. Disease mechanism: loss of function.
Hereditary cancer-predisposing syndrome. Also called: Neoplastic Syndromes, Hereditary; Hereditary neoplastic syndrome; Tumor predisposition; Hereditary Cancer Syndrome. Identifiers: Orphanet 140162, MedGen C0027672, MeSH D009386, MONDO:0015356.

Allele frequency attached by ClinVar (database versions not stated): gnomAD exomes below 0.00001.
gnomAD v4.1: 1 of 1,614,040 alleles (0.000062%); highest among the groups gnomAD compares: Admixed American, 0.0017%; no homozygotes.

Submissions (3):

Quest Diagnostics Nichols Institute San Juan Capistrano
Classification: Uncertain significance. Last evaluated: 2025-01-31. Review status: criteria provided, single submitter. Criteria: Quest Diagnostics criteria. Collection method: clinical testing. Allele origin: unknown.
Comment: The BRCA2 c.4774A>G (p.Lys1592Glu) variant has not been reported in individuals with BRCA2-related conditions in the published literature. The frequency of this variant in the general population (Genome Aggregation Database) is uninformative in the assessment of its pathogenicity. Analysis of this variant using bioinformatics tools for the prediction of the effect of amino acid changes on protein structure and function yielded predictions that this variant is benign. Based on the available information, we are unable to determine the clinical significance of this variant.

Labcorp Genetics (formerly Invitae), Labcorp
Classification: Uncertain significance for Hereditary breast ovarian cancer syndrome. Last evaluated: 2023-12-14. Review status: criteria provided, single submitter. Criteria: Invitae Variant Classification Sherloc (09022015). Collection method: clinical testing. Allele origin: germline.
Comment: This sequence change replaces lysine, which is basic and polar, with glutamic acid, which is acidic and polar, at codon 1592 of the BRCA2 protein (p.Lys1592Glu). This variant is present in population databases (no rsID available, gnomAD 0.003%). This variant has not been reported in the literature in individuals affected with BRCA2-related conditions. Advanced modeling of protein sequence and biophysical properties (such as structural, functional, and spatial information, amino acid conservation, physicochemical variation, residue mobility, and thermodynamic stability) performed at Invitae indicates that this missense variant is not expected to disrupt BRCA2 protein function with a negative predictive value of 95%. In summary, the available evidence is currently insufficient to determine the role of this variant in disease. Therefore, it has been classified as a Variant of Uncertain Significance.

Ambry Genetics
Classification: Likely benign for Hereditary cancer-predisposing syndrome. Last evaluated: 2023-11-02. Review status: criteria provided, single submitter. Criteria: Ambry Variant Classification Scheme 2023. Collection method: clinical testing. Allele origin: germline.